The following is an entry in ClinVar:

ClinVar aggregate classification (germline): Uncertain significance (1 of 4 stars; one submission).

Submission:

Women's Health and Genetics/Laboratory Corporation of America, LabCorp
Classification: Uncertain significance. Last evaluated: 2025-06-19. Review status: criteria provided, single submitter. Criteria: LabCorp Variant Classification Summary - May 2015. Collection method: clinical testing. Allele origin: germline.
Comment: Variant summary: KAT6B c.1466C>A (p.Pro489His) results in a non-conservative amino acid change in the encoded protein sequence. Algorithms developed to predict the effect of missense changes on protein structure and function are either unavailable or do not agree on the potential impact of this missense change. The variant was absent in 251406 control chromosomes. The available data on variant occurrences in the general population are insufficient to allow any conclusion about variant significance. To our knowledge, no occurrence of c.1466C>A in individuals affected with KAT6B-Related Spectrum Disorders and no experimental evidence demonstrating its impact on protein function have been reported. No submitters have cited clinical-significance assessments for this variant to ClinVar. Based on the evidence outlined above, the variant was classified as uncertain significance.

NM_012330.4(KAT6B):c.1466C>A (p.Pro489His)

Gene: KAT6B (lysine acetyltransferase 6B; plus strand). Cytogenetic location: 10q22.2.
Variant type: single nucleotide variant.
Coding change: c.1466C>A on transcript NM_012330.4 (MANE Select); coding-DNA position 1466, C replaced by A.
Protein change: p.Pro489His; replaces proline 489 with histidine.
Molecular consequence: missense variant. On other transcripts: intron variant (13).
Genome position (GRCh38, 1-based): chr10:74,975,803, C>A. VCF-style: chr10-74975803-C-A. GRCh37 (hg19) VCF-style: chr10-76735561-C-A.
Other names: c.1466C>A, p.Pro489His (NM_001370136.1, NM_001370137.1); c.1117+349C>A (NM_001370139.1, NM_001370140.1, NM_001370141.1 and 3 more transcripts); c.1444+22C>A (NM_001370138.1, NM_001256468.2); c.846+6028C>A (NM_001370133.1); c.193-3421C>A (NM_001370134.1); c.929-1513C>A (NM_001370143.1, NM_001370144.1); c.193-13216C>A (NM_001370135.1); short protein forms P489H.
Identifiers: ClinVar variation 3907649 (VCV003907649.1).